The following is an entry in ClinVar:

ClinVar aggregate classification (germline): Uncertain significance. Review status: criteria provided, multiple submitters, no conflicts (2 of 4 stars). 2 submissions from 2 submitters: Uncertain significance (2). Last evaluated 2023-09-27.

Conditions:
Glycogen storage disease IXd (GSD9D). Also called: GSD IXd; Muscle Phosphorylase Kinase Deficiency. Identifiers: Orphanet 715, MedGen C1845151, MONDO:0010362, OMIM 300559.

Allele frequency attached by ClinVar (database versions not stated): ExAC 0.00002; gnomAD 0.00002; TOPMed 0.00003; gnomAD exomes 0.00005.
gnomAD v4.1: 55 of 1,207,899 alleles (0.0046%); highest among the groups gnomAD compares: Non-Finnish European, 0.006%; no homozygotes.

Submissions (2):

Labcorp Genetics (formerly Invitae), Labcorp
Classification: Uncertain significance for Glycogen storage disease IXd. Last evaluated: 2023-09-27. Review status: criteria provided, single submitter. Criteria: Invitae Variant Classification Sherloc (09022015). Collection method: clinical testing. Allele origin: germline.
Comment: This sequence change replaces histidine, which is basic and polar, with arginine, which is basic and polar, at codon 229 of the PHKA1 protein (p.His229Arg). This variant is present in population databases (rs782201270, gnomAD 0.008%). This variant has not been reported in the literature in individuals affected with PHKA1-related conditions. Advanced modeling of protein sequence and biophysical properties (such as structural, functional, and spatial information, amino acid conservation, physicochemical variation, residue mobility, and thermodynamic stability) performed at Invitae indicates that this missense variant is not expected to disrupt PHKA1 protein function. In summary, the available evidence is currently insufficient to determine the role of this variant in disease. Therefore, it has been classified as a Variant of Uncertain Significance.

CeGaT Center for Human Genetics Tuebingen
Classification: Uncertain significance. Last evaluated: 2023-08-01. Review status: criteria provided, single submitter. Criteria: CeGaT Center For Human Genetics Tuebingen Variant Classification Criteria Version 2. Collection method: clinical testing. Allele origin: germline. Affected: yes. Observed: 1 variant allele.
Comment: PHKA1: PP3

NM_002637.4(PHKA1):c.686A>G (p.His229Arg)

Gene: PHKA1 (phosphorylase kinase regulatory subunit alpha 1; minus strand). Cytogenetic location: Xq13.1.
Variant type: single nucleotide variant.
Coding change: c.686A>G on transcript NM_002637.4 (MANE Select); coding-DNA position 686, A replaced by G.
Protein change: p.His229Arg; replaces histidine 229 with arginine.
Molecular consequence: missense variant.
Genome position (GRCh38, 1-based): chrX:72,667,406, T>C on the plus strand (A>G on the coding strand, the complement: PHKA1 is on the minus strand). VCF-style: chrX-72667406-T-C. GRCh37 (hg19) VCF-style: chrX-71887256-T-C.
Other names: c.686A>G, p.His229Arg (NM_001122670.2, NM_001172436.2); short protein forms H229R.
Identifiers: ClinVar variation 2660918 (VCV002660918.27), dbSNP rs782201270, ClinGen allele CA10451011.
Genomic context (GRCh38, chrX:72,667,406, plus strand): 5'-TGCTATTTCCATTTTCCATAATATTTTACCTGGCAGTGCTGTACTTCATCAGCCAGGACA[T>C]GGATAACTGATTGAGGCCCACCTTTCACACCAAACAGATCCAGTTCATCTAATGCTTCCA-3'
Protein context (NP_002628.2, residues 219-239): GVKGGPQSVI[His229Arg]VLADEVQHCQ